The following is an entry in ClinVar:

ClinVar aggregate classification (germline): Uncertain significance. Review status: criteria provided, multiple submitters, no conflicts (2 of 4 stars). 2 submissions from 2 submitters: Uncertain significance (2). Last evaluated 2025-06-26.

Conditions:
Inborn genetic diseases. Identifiers: MedGen C0950123, MeSH D030342.

Submissions (2):

Ambry Genetics
Classification: Uncertain significance for Inborn genetic diseases. Last evaluated: 2025-06-26. Review status: criteria provided, single submitter. Criteria: Ambry Variant Classification Scheme 2023. Collection method: clinical testing. Allele origin: germline.

Labcorp Genetics (formerly Invitae), Labcorp
Classification: Uncertain significance. Last evaluated: 2024-09-27. Review status: criteria provided, single submitter. Criteria: Invitae Variant Classification Sherloc (09022015). Collection method: clinical testing. Allele origin: germline.
Comment: This sequence change replaces arginine, which is basic and polar, with glycine, which is neutral and non-polar, at codon 989 of the IARS2 protein (p.Arg989Gly). This variant is not present in population databases (gnomAD no frequency). This variant has not been reported in the literature in individuals affected with IARS2-related conditions. An algorithm developed to predict the effect of missense changes on protein structure and function (PolyPhen-2) suggests that this variant is likely to be disruptive. In summary, the available evidence is currently insufficient to determine the role of this variant in disease. Therefore, it has been classified as a Variant of Uncertain Significance.

NM_018060.4(IARS2):c.2965C>G (p.Arg989Gly)

Gene: IARS2 (isoleucyl-tRNA synthetase 2, mitochondrial; plus strand). Cytogenetic location: 1q41.
Variant type: single nucleotide variant.
Coding change: c.2965C>G on transcript NM_018060.4 (MANE Select); coding-DNA position 2965, C replaced by G.
Protein change: p.Arg989Gly; replaces arginine 989 with glycine.
Molecular consequence: missense variant.
Genome position (GRCh38, 1-based): chr1:220,147,561, C>G. VCF-style: chr1-220147561-C-G. GRCh37 (hg19) VCF-style: chr1-220320903-C-G.
Other names: c.2965C>G (NM_018060.3); short protein forms R989G.
Identifiers: ClinVar variation 3683783 (VCV003683783.3).